The following is an entry in ClinVar:

NM_003793.4(CTSF):c.888G>T (p.Trp296Cys)

Gene: CTSF (cathepsin F; minus strand). Cytogenetic location: 11q13.2.
Variant type: single nucleotide variant.
Coding change: c.888G>T on transcript NM_003793.4 (MANE Select); coding-DNA position 888, G replaced by T.
Protein change: p.Trp296Cys; replaces tryptophan 296 with cysteine.
Molecular consequence: missense variant.
Genome position (GRCh38, 1-based): chr11:66,565,907, C>A on the plus strand (G>T on the coding strand, the complement: CTSF is on the minus strand). VCF-style: chr11-66565907-C-A. GRCh37 (hg19) VCF-style: chr11-66333378-C-A.
Other names: short protein forms W296C.
Identifiers: ClinVar variation 2097195 (VCV002097195.4), dbSNP rs746013208, ClinGen allele CA381461488.

ClinVar aggregate classification (germline): Uncertain significance (1 of 4 stars; one submission).

Conditions:
Neuronal ceroid lipofuscinosis 13 (CLN13). Also called: CLN13 Disease; CEROID LIPOFUSCINOSIS, NEURONAL, 13 (KUFS TYPE). Identifiers: Orphanet 352709, Orphanet 79262, MedGen C3715049, MONDO:0014147, OMIM 615362.

Submission:

Labcorp Genetics (formerly Invitae), Labcorp
Classification: Uncertain significance for Neuronal ceroid lipofuscinosis 13. Last evaluated: 2022-02-12. Review status: criteria provided, single submitter. Criteria: Invitae Variant Classification Sherloc (09022015). Collection method: clinical testing. Allele origin: germline.
Comment: In summary, the available evidence is currently insufficient to determine the role of this variant in disease. Therefore, it has been classified as a Variant of Uncertain Significance. Algorithms developed to predict the effect of missense changes on protein structure and function are either unavailable or do not agree on the potential impact of this missense change (SIFT: "Deleterious"; PolyPhen-2: "Probably Damaging"; Align-GVGD: "Class C0"). This variant has not been reported in the literature in individuals affected with CTSF-related conditions. This variant is not present in population databases (gnomAD no frequency). This sequence change replaces tryptophan, which is neutral and slightly polar, with cysteine, which is neutral and slightly polar, at codon 296 of the CTSF protein (p.Trp296Cys).